The following is an entry in ClinVar:

ClinVar aggregate classification (germline): Likely benign (0 of 4 stars; one submission).

Conditions:
UCP3-related disorder. Also called: UCP3-related condition.

gnomAD v4.1: 14 of 1,604,428 alleles (0.00087%); highest among the groups gnomAD compares: East Asian, 0.0045%; no homozygotes.

Submission:

PreventionGenetics, part of Exact Sciences
Classification: Likely benign for UCP3-related condition. Last evaluated: 2024-08-29. Review status: no assertion criteria provided. Collection method: clinical testing. Allele origin: germline.
Comment: This variant is classified as likely benign based on ACMG/AMP sequence variant interpretation guidelines (Richards et al. 2015 PMID: 25741868, with internal and published modifications).

NM_003356.4(UCP3):c.180C>T (p.Gly60=)

Gene: UCP3 (uncoupling protein 3; minus strand). Cytogenetic location: 11q13.4.
Variant type: single nucleotide variant.
Coding change: c.180C>T on transcript NM_003356.4 (MANE Select); coding-DNA position 180, C replaced by T.
Protein change: p.Gly60=; no amino-acid change (glycine 60 retained).
Molecular consequence: synonymous variant.
Genome position (GRCh38, 1-based): chr11:74,006,326, G>A on the plus strand (C>T on the coding strand, the complement: UCP3 is on the minus strand). VCF-style: chr11-74006326-G-A. GRCh37 (hg19) VCF-style: chr11-73717371-G-A.
Other names: c.180C>T, p.Gly60= (NM_022803.3).
Identifiers: ClinVar variation 3352406 (VCV003352406.1).
Genomic context (GRCh38, chr11:74,006,326, plus strand): 5'-CCCATTGTAGGGGCTGCAGGGACCCTCAGTCCGCACCATGGTCAGGATGGTGCCCAGCAC[G>A]CCACGGTACTGCACGAGCCGGGCCGTCTGGACCGCCTGGTTCTCCCCCTGGATCTGAGGG-3'
Protein context (NP_003347.1, residues 50-70): VQTARLVQYR[Gly60=]VLGTILTMVR